The following is an entry in ClinVar:

NM_000059.4(BRCA2):c.5992C>G (p.Gln1998Glu)

Gene: BRCA2 (BRCA2 DNA repair associated; plus strand). Cytogenetic location: 13q13.1.
Variant type: single nucleotide variant.
Coding change: c.5992C>G on transcript NM_000059.4 (MANE Select); coding-DNA position 5992, C replaced by G.
Protein change: p.Gln1998Glu; replaces glutamine 1998 with glutamic acid.
Molecular consequence: missense variant.
Genome position (GRCh38, 1-based): chr13:32,340,347, C>G. VCF-style: chr13-32340347-C-G. GRCh37 (hg19) VCF-style: chr13-32914484-C-G.
Other names: short protein forms Q1998E.
Identifiers: ClinVar variation 232922 (VCV000232922.9), dbSNP rs397507819, ClinGen allele CA10579673.

ClinVar aggregate classification (germline): Conflicting classifications of pathogenicity. Review status: criteria provided, conflicting classifications (1 of 4 stars). 3 submissions from 3 submitters: Uncertain significance (2); Likely benign (1). Last evaluated 2024-11-25.

Conditions:
Hereditary cancer-predisposing syndrome. Also called: Neoplastic Syndromes, Hereditary; Tumor predisposition; Hereditary Cancer Syndrome; Hereditary neoplastic syndrome. Identifiers: Orphanet 140162, MedGen C0027672, MeSH D009386, MONDO:0015356.

Submissions (3):

Ambry Genetics
Classification: Uncertain significance for Hereditary cancer-predisposing syndrome. Last evaluated: 2024-11-25. Review status: criteria provided, single submitter. Criteria: Ambry Variant Classification Scheme 2023. Collection method: clinical testing. Allele origin: germline.
Comment: The p.Q1998E variant (also known as c.5992C>G), located in coding exon 10 of the BRCA2 gene, results from a C to G substitution at nucleotide position 5992. The glutamine at codon 1998 is replaced by glutamic acid, an amino acid with highly similar properties. This amino acid position is not well conserved in available vertebrate species. In addition, this alteration is predicted to be tolerated by in silico analysis. Based on the available evidence, the clinical significance of this variant remains unclear.

University of Washington Department of Laboratory Medicine, University of Washington
Classification: Likely benign for Hereditary cancer-predisposing syndrome. Last evaluated: 2023-03-23. Review status: criteria provided, single submitter. Criteria: Dines et al. (Genet Med. 2020). Collection method: curation. Allele origin: germline.
Comment: Missense variant in a coldspot region where missense variants are very unlikely to be pathogenic (PMID:31911673).

BRCA2 exon 11 coldspot. Reclassification based on statistical prior probability.

GeneDx
Classification: Uncertain significance. Last evaluated: 2016-06-23. Review status: criteria provided, single submitter. Criteria: GeneDx Variant Classification (06012015). Collection method: clinical testing. Allele origin: germline. Affected: yes.
Comment: This variant is denoted BRCA2 c.5992C>G at the cDNA level, p.Gln1998Glu (Q1998E) at the protein level, and results in the change of a Glutamine to a Glutamic Acid (CAA>GAA). Using alternate nomenclature, this variant would be defined as BRCA2 6220C>G. This variant has not, to our knowledge, been published in the literature as pathogenic or benign. BRCA2 Gln1998Glu was not observed in approximately 6,500 individuals of European and African American ancestry in the NHLBI Exome Sequencing Project, suggesting it is not a common benign variant in these populations. Since Glutamine and Glutamic Acid differ in some properties, this is considered a semi-conservative amino acid substitution. BRCA2 Gln1998Glu occurs at a position that is not conserved and is located in the BRC7 domain and the RAD51 binding domain (Cole 2011, Roy 2012). In silico analyses predict that this variant is unlikely to alter protein structure or function. Based on currently available evidence, it is unclear whether BRCA2 Gln1998Glu is a pathogenic or benign variant. We consider it to be a variant of uncertain significance.